The following is an entry in ClinVar:

NM_004972.4(JAK2):c.838T>C (p.Ser280Pro)

Genes: INSL6 (insulin like 6; minus strand), JAK2 (Janus kinase 2; plus strand). Cytogenetic location: 9p24.1.
Variant type: single nucleotide variant.
Coding change: c.838T>C on transcript NM_004972.4 (MANE Select); coding-DNA position 838, T replaced by C.
Protein change: p.Ser280Pro; replaces serine 280 with proline.
Molecular consequence: missense variant. On other transcripts: 5 prime UTR variant (2), non-coding transcript variant (2).
Genome position (GRCh38, 1-based): chr9:5,054,786, T>C. VCF-style: chr9-5054786-T-C. GRCh37 (hg19) VCF-style: chr9-5054786-T-C.
Other names: c.838T>C, p.Ser280Pro (NM_001322194.2, NM_001322195.2, NM_001322196.2); c.-283T>C (NM_001322198.2, NM_001322199.2); c.391T>C, p.Ser131Pro (NM_001322204.2); short protein forms S131P, S280P.
Identifiers: ClinVar variation 2017353 (VCV002017353.4), dbSNP rs775577651, ClinGen allele CA4971670.
Genomic context (GRCh38, chr9:5,054,786, plus strand): 5'-ACTCTGCAGTCTGCCTTCTACACAGAGAAATTTGAAGTAAAAGAACCTGGAAGTGGTCCT[T>C]CAGGTGAGGAGATTTTTGCAACCATTATAATAACTGGAAACGGTGGAATTCAGTGGTCAA-3'
Protein context (NP_004963.1, residues 270-290): FEVKEPGSGP[Ser280Pro]GEEIFATIII

ClinVar aggregate classification (germline): Uncertain significance (1 of 4 stars; one submission).

Allele frequency attached by ClinVar (database versions not stated): gnomAD exomes below 0.00001; ExAC 0.00001.
gnomAD v4.1: 1 of 1,612,814 alleles (0.000062%); no homozygotes.

Submission:

Labcorp Genetics (formerly Invitae), Labcorp
Classification: Uncertain significance. Last evaluated: 2022-07-15. Review status: criteria provided, single submitter. Criteria: Invitae Variant Classification Sherloc (09022015). Collection method: clinical testing. Allele origin: germline.
Comment: In summary, the available evidence is currently insufficient to determine the role of this variant in disease. Therefore, it has been classified as a Variant of Uncertain Significance. Advanced modeling of protein sequence and biophysical properties (such as structural, functional, and spatial information, amino acid conservation, physicochemical variation, residue mobility, and thermodynamic stability) performed at Invitae indicates that this missense variant is not expected to disrupt JAK2 protein function. This variant has not been reported in the literature in individuals affected with JAK2-related conditions. This variant is present in population databases (rs775577651, gnomAD 0.01%). This sequence change replaces serine, which is neutral and polar, with proline, which is neutral and non-polar, at codon 280 of the JAK2 protein (p.Ser280Pro).